The following continues an entry in ClinVar:

NM_000363.5(TNNI3):c.586G>A (p.Asp196Asn)

Gene: TNNI3. ClinVar aggregate classification (germline): Pathogenic/Likely pathogenic. Pathogenic (4); Likely pathogenic (11).

Submissions 11 to 17 of 17:

Fulgent Genetics
Classification: Likely pathogenic for Cardiomyopathy, familial restrictive, 1; Dilated cardiomyopathy 2A; Dilated cardiomyopathy 1FF; Hypertrophic cardiomyopathy 7. Last evaluated: 2022-04-21. Review status: criteria provided, single submitter. Criteria: ACMG Guidelines, 2015. Collection method: clinical testing. Allele origin: unknown.

Laan Lab, Human Genetics Research Group, University of Tartu
Classification: Likely pathogenic for Hypertrophic cardiomyopathy 7. Last evaluated: 2021-05-01. Review status: criteria provided, single submitter. Criteria: ACMG Guidelines, 2015. Collection method: research. Allele origin: unknown. Observed: 1 variant allele, 1 heterozygote.

Laboratory for Molecular Medicine, Mass General Brigham Personalized Medicine
Classification: Likely pathogenic for Hypertrophic cardiomyopathy. Last evaluated: 2021-02-21. Review status: criteria provided, single submitter. Criteria: LMM Criteria. Collection method: clinical testing. Allele origin: germline. Inheritance: Autosomal dominant inheritance. Observed: 10 variant alleles.
Comment: The p.Asp196Asn variant in TNNI3 has been reported in at least 12 individuals with HCM and segregated with disease in 3 affected individuals from 2 families (Niimura 2002 PMID:11815426, Richard 2003 PMID:12707239, Mogensen 2004 PMID:15607392, Coppini 2014 PMID: 25524337, Berge 2014 PMID:24111713, Murphy 2016 PMID:26914223, Walsh 2017 PMID:27532257, Norrish 2019 PMID:31006259, LMM data). This variant has also been reported by other clinical laboratories in ClinVar (Variation ID 12422) and has been identified in 0.002% (2/128706) of European chromosomes by gnomAD. Computational prediction tools and conservation analyses are consistent with pathogenicity. In summary, although additional studies are required to fully establish its clinical significance, this variant meets criteria to be classified as likely pathogenic for autosomal dominant HCM. ACMG/AMP criteria applied: PS4_Strong, PP1, PM2_Supporting, PP3.

Human Genome Sequencing Center Clinical Lab, Baylor College of Medicine
Classification: Likely pathogenic for Hypertrophic cardiomyopathy 7. Last evaluated: 2019-09-26. Review status: criteria provided, single submitter. Criteria: ACMG Guidelines, 2015. Collection method: clinical testing. Allele origin: germline.
Comment: The c.586G>A (p.Asp196Asn) variant in the TNNI3 gene has been reported in multiple individuals affected with hypertrophic cardiomyopathy (PMID 11815426, 12707239, 15607392, 24111713, 25524337). This variant is observed at an ultra-low frequency in the general population (gnomAD database 2/280974) and is reported to be damaging by multiple bioinformatics algorithms. For these reasons, this variant has been classified as Likely Pathogenic.

Clinical Genetics Service, Universitary Hospital 12 de Octubre
Classification: Pathogenic for Hypertrophic cardiomyopathy 7. Review status: criteria provided, single submitter. Criteria: ACMG Guidelines, 2015. Collection method: clinical testing. Allele origin: germline. Affected: yes.

CSER _CC_NCGL, University of Washington
Classification: Likely pathogenic for Cardiomyopathy, hypertrophic. Last evaluated: 2014-06-01. Review status: no assertion criteria provided. Collection method: research. Allele origin: germline. Inheritance: Autosomal dominant inheritance. Study: ESP 6500 variant annotation. Not counted in ClinVar's aggregate classification.
Comment: Variants classified for the Actionable exomic incidental findings in 6503 participants: challenges of variant classification manuscript

OMIM
Classification: Pathogenic for CARDIOMYOPATHY, FAMILIAL HYPERTROPHIC, 7. Last evaluated: 2002-01-29. Review status: no assertion criteria provided. Collection method: literature only. Allele origin: germline. Not counted in ClinVar's aggregate classification.

Literature cited by the submitters: PubMed 15607392 (cited by 6 submitters); PubMed 11815426 (cited by 5 submitters); PubMed 35653365 (cited by Women's Health and Genetics/Laboratory Corporation of America, LabCorp); PubMed 12707239 (cited by 5 submitters); PubMed 24111713 (cited by 5 submitters); PubMed 25524337 (cited by 5 submitters); PubMed 26914223 (cited by 5 submitters); PubMed 27532257 (cited by 5 submitters); PubMed 20035081 (cited by Ambry Genetics); PubMed 21777381 (cited by Ambry Genetics); PubMed 23299917 (cited by Ambry Genetics); PubMed 25637381 (cited by Ambry Genetics); PubMed 31006259 (cited by Ambry Genetics and Laboratory for Molecular Medicine, Mass General Brigham Personalized Medicine); PubMed 38938358 (cited by 3 submitters); PubMed 30696458 (cited by Color Diagnostics, LLC DBA Color Health and All of Us Research Program, National Institutes of Health); PubMed 34363016 (cited by Color Diagnostics, LLC DBA Color Health and All of Us Research Program, National Institutes of Health); PubMed 35535697 (cited by Laan Lab, Human Genetics Research Group, University of Tartu).